The following is an entry in ClinVar:

ClinVar aggregate classification (germline): Benign. Review status: criteria provided, multiple submitters, no conflicts (2 of 4 stars). 14 submissions from 14 submitters: Benign (9). 5 of the submissions do not count toward it. Last evaluated 2026-02-04.

Conditions:
Primary hyperoxaluria, type II (HP2). Also called: D-GLYCERATE DEHYDROGENASE DEFICIENCY; GLYCERIC ACIDURIA; GLYOXYLATE REDUCTASE/HYDROXYPYRUVATE REDUCTASE DEFICIENCY; OXALOSIS II; Primary hyperoxaluria type 2. Identifiers: Orphanet 416, Orphanet 93599, MedGen C0268165, MONDO:0009824, OMIM 260000. Disease mechanism: loss of function.

Allele frequency attached by ClinVar (database versions not stated): 1000 Genomes Project 30x 0.84447; 1000 Genomes Project 0.84924; ESP Exome Variant Server 0.85699; TOPMed 0.85718; gnomAD 0.85807 and 0.86193; ExAC 0.89246; gnomAD exomes 0.89402 and 0.90882.
gnomAD v4.1: 1,448,834 of 1,602,214 alleles (90%); highest among the groups gnomAD compares: Middle Eastern, 93%; 656,388 homozygotes.

Submissions (14):

Labcorp Genetics (formerly Invitae), Labcorp
Classification: Benign. Last evaluated: 2026-02-04. Review status: criteria provided, single submitter. Criteria: Invitae Variant Classification Sherloc (09022015). Collection method: clinical testing. Allele origin: germline.

Blueprint Genetics
Classification: Benign. Last evaluated: 2024-11-27. Review status: criteria provided, single submitter. Criteria: ACMG Guidelines, 2015. Collection method: clinical testing. Allele origin: germline.

Mayo Clinic Laboratories, Mayo Clinic
Classification: Benign. Last evaluated: 2022-03-09. Review status: criteria provided, single submitter. Criteria: ACMG Guidelines, 2015. Collection method: clinical testing. Allele origin: germline. Observed: 183 variant alleles.

Genome-Nilou Lab
Classification: Benign for Primary hyperoxaluria, type II. Last evaluated: 2021-07-10. Review status: criteria provided, single submitter. Criteria: ACMG Guidelines, 2015. Collection method: clinical testing. Allele origin: germline. Affected: no.

GeneDx
Classification: Benign. Last evaluated: 2018-11-12. Review status: criteria provided, single submitter. Criteria: GeneDx Variant Classification Process June 2021. Collection method: clinical testing. Allele origin: germline. Affected: yes.

Illumina Laboratory Services, Illumina
Classification: Benign for Primary hyperoxaluria, type II. Last evaluated: 2018-01-13. Review status: criteria provided, single submitter. Criteria: ICSL Variant Classification Criteria 13 December 2019. Collection method: clinical testing. Allele origin: germline.
Comment: This variant was observed in the ICSL laboratory as part of a predisposition screen in an ostensibly healthy population. It had not been previously curated by ICSL or reported in the Human Gene Mutation Database (HGMD: prior to June 1st, 2018), and was therefore a candidate for classification through an automated scoring system. Utilizing variant allele frequency, disease prevalence and penetrance estimates, and inheritance mode, an automated score was calculated to assess if this variant is too frequent to cause the disease. Based on the score and internal cut-off values, a variant classified as benign is not then subjected to further curation. The score for this variant resulted in a classification of benign for this disease.

Laboratory for Molecular Medicine, Mass General Brigham Personalized Medicine
Classification: Benign. Last evaluated: 2016-02-02. Review status: criteria provided, single submitter. Criteria: LMM Criteria. Collection method: clinical testing. Allele origin: germline. Observed: 1 variant allele.
Comment: This is a RefSeq error. The reference base (c.579A) is the minor allele. This al lele (A) has been identified in 25.9% (2685/10378) of African chromosomes by the Exome Aggregation Consortium (ExAC; dbSNP rs309 458) and thus meets criteria to be classified as benign.

Breakthrough Genomics
Classification: Benign. Review status: criteria provided, single submitter. Criteria: ACMG Guidelines, 2015. Collection method: not provided. Allele origin: germline. Inheritance: Autosomal recessive inheritance. Affected: yes.

PreventionGenetics, part of Exact Sciences
Classification: Benign. Review status: criteria provided, single submitter. Criteria: ACMG Guidelines, 2015. Collection method: clinical testing. Allele origin: germline.

Natera, Inc.
Classification: Benign for Primary hyperoxaluria type II. Last evaluated: 2020-09-16. Review status: no assertion criteria provided. Collection method: clinical testing. Allele origin: germline. Not counted in ClinVar's aggregate classification.

Clinical Biochemistry Laboratory, Health Services Laboratory
Classification: Uncertain significance for Primary hyperoxaluria, type II. Last evaluated: 2014-11-27. Review status: no assertion criteria provided. Collection method: in vitro. Allele origin: germline. Affected: yes. Not counted in ClinVar's aggregate classification.

Diagnostic Laboratory, Department of Genetics, University Medical Center Groningen
Classification: Benign. Review status: no assertion criteria provided. Collection method: clinical testing. Allele origin: germline. Affected: yes. Study: VKGL Data-share Consensus. Not counted in ClinVar's aggregate classification.

GeneReviews
No classification provided. Condition: Primary hyperoxaluria, type II. Review status: no classification provided. Collection method: literature only. Allele origin: unknown. Not counted in ClinVar's aggregate classification.

Joint Genome Diagnostic Labs from Nijmegen and Maastricht, Radboudumc and MUMC+
Classification: Benign. Review status: no assertion criteria provided. Collection method: clinical testing. Allele origin: germline. Affected: yes. Study: VKGL Data-share Consensus. Not counted in ClinVar's aggregate classification.

Literature cited by the submitters: PubMed 14635115 (cited by 3 submitters); PubMed 20301742 (cited by GeneReviews); NCBI Bookshelf NBK2692 (cited by GeneReviews).

NM_012203.2(GRHPR):c.579A>G (p.Ala193=)

Gene: GRHPR (glyoxylate and hydroxypyruvate reductase; plus strand). Cytogenetic location: 9p13.2.
Variant type: single nucleotide variant.
Coding change: c.579A>G on transcript NM_012203.2 (MANE Select); coding-DNA position 579, A replaced by G.
Protein change: p.Ala193=; no amino-acid change (alanine 193 retained).
Molecular consequence: synonymous variant.
Genome position (GRCh38, 1-based): chr9:37,429,817, A>G. VCF-style: chr9-37429817-A-G. GRCh37 (hg19) VCF-style: chr9-37429814-A-G.
Other names: p.Ala193=.
Identifiers: ClinVar variation 21490 (VCV000021490.33), dbSNP rs309458, ClinGen allele CA342126.